The following is an entry in ClinVar:

NM_005896.4(IDH1):c.1058C>A (p.Ala353Asp)

Gene: IDH1 (isocitrate dehydrogenase (NADP(+)) 1; minus strand). Cytogenetic location: 2q34.
Variant type: single nucleotide variant.
Coding change: c.1058C>A on transcript NM_005896.4 (MANE Select); coding-DNA position 1058, C replaced by A.
Protein change: p.Ala353Asp; replaces alanine 353 with aspartic acid.
Molecular consequence: missense variant.
Genome position (GRCh38, 1-based): chr2:208,239,167, G>T on the plus strand (C>A on the coding strand, the complement: IDH1 is on the minus strand). VCF-style: chr2-208239167-G-T. GRCh37 (hg19) VCF-style: chr2-209103891-G-T.
Other names: c.1058C>A, p.Ala353Asp (NM_001282386.1, NM_001282387.1); short protein forms A353D.
Identifiers: ClinVar variation 1779148 (VCV001779148.2), dbSNP rs762126667, ClinGen allele CA2078827.

ClinVar aggregate classification (germline): Uncertain significance (1 of 4 stars; one submission).

Allele frequency attached by ClinVar (database versions not stated): gnomAD 0.00001.
gnomAD v4.1: 12 of 1,613,894 alleles (0.00074%); highest among the groups gnomAD compares: Admixed American, 0.015%; no homozygotes.

Submission:

Ambry Genetics
Classification: Uncertain significance. Last evaluated: 2023-10-16. Review status: criteria provided, single submitter. Criteria: Ambry Variant Classification Scheme 2023. Collection method: clinical testing. Allele origin: germline.
Comment: The p.A353D variant (also known as c.1058C>A), located in coding exon 7 of the IDH1 gene, results from a C to A substitution at nucleotide position 1058. The alanine at codon 353 is replaced by aspartic acid, an amino acid with dissimilar properties. This amino acid position is conserved. In addition, this alteration is predicted to be tolerated by in silico analysis. Since supporting evidence is limited at this time, the clinical significance of this alteration remains unclear.